The following is an entry in ClinVar:

NM_000038.6(APC):c.2001A>G (p.Gln667=)

Gene: APC (APC regulator of Wnt signaling pathway; plus strand). Cytogenetic location: 5q22.2.
Variant type: single nucleotide variant.
Coding change: c.2001A>G on transcript NM_000038.6 (MANE Select); coding-DNA position 2001, A replaced by G.
Protein change: p.Gln667=; no amino-acid change (glutamine 667 retained).
Molecular consequence: synonymous variant.
Genome position (GRCh38, 1-based): chr5:112,837,595, A>G. VCF-style: chr5-112837595-A-G. GRCh37 (hg19) VCF-style: chr5-112173292-A-G.
Other names: c.2001A>G, p.Gln667= (NM_001127510.3, NM_001354895.2); c.1947A>G, p.Gln649= (NM_001127511.3); c.2055A>G, p.Gln685= (NM_001354896.2); c.2031A>G, p.Gln677= (NM_001354897.2); c.1926A>G, p.Gln642= (NM_001354898.2); c.1917A>G, p.Gln639= (NM_001354899.2); c.1878A>G, p.Gln626= (NM_001354900.2); c.1824A>G, p.Gln608= (NM_001354901.2); and 5 more.
Identifiers: ClinVar variation 654829 (VCV000654829.9), dbSNP rs1580617421, ClinGen allele CA445963309.

ClinVar aggregate classification (germline): Benign/Likely benign. Review status: criteria provided, multiple submitters, no conflicts (2 of 4 stars). 2 submissions from 2 submitters: Benign (1); Likely benign (1). Last evaluated 2024-03-08.

Conditions:
Familial adenomatous polyposis 1 (FAP1). Also called: FAMILIAL ADENOMATOUS POLYPOSIS 1, ATTENUATED; POLYPOSIS, ADENOMATOUS INTESTINAL. Identifiers: MedGen C2713442, MONDO:0021056, OMIM 175100. Disease mechanism: loss of function.

Allele frequency attached by ClinVar (database versions not stated): gnomAD exomes below 0.00001.
gnomAD v4.1: 2 of 1,612,730 alleles (0.00012%); highest among the groups gnomAD compares: Non-Finnish European, 0.00017%; no homozygotes.

Submissions (2):

Myriad Genetics, Inc.
Classification: Benign for Familial adenomatous polyposis 1. Last evaluated: 2024-03-08. Review status: criteria provided, single submitter. Criteria: Myriad Autosomal Dominant, Autosomal Recessive and X-Linked Classification Criteria (2023). Collection method: clinical testing. Allele origin: unknown.
Comment: This variant is considered benign. This variant is a silent/synonymous amino acid change and it is not expected to impact splicing.

Labcorp Genetics (formerly Invitae), Labcorp
Classification: Likely benign for Familial adenomatous polyposis 1. Last evaluated: 2024-02-24. Review status: criteria provided, single submitter. Criteria: Invitae Variant Classification Sherloc (09022015). Collection method: clinical testing. Allele origin: germline.